The following is an entry in ClinVar:

ClinVar aggregate classification (germline): Uncertain significance (1 of 4 stars; one submission).

Conditions:
FLNB-related disorder. Also called: FLNB-related disorders; FLNB-related condition. Identifiers: MedGen CN381095.

Submission:

PreventionGenetics, part of Exact Sciences
Classification: Uncertain significance for FLNB-related condition. Last evaluated: 2025-03-28. Review status: criteria provided, single submitter. Criteria: ACMG Guidelines, 2015. Collection method: clinical testing. Allele origin: germline.
Comment: The FLNB c.6806A>C variant is predicted to result in the amino acid substitution p.Glu2269Ala. To our knowledge, this variant has not been reported in the literature or in a large population database (gnomAD), indicating this variant is rare. At this time, the clinical significance of this variant is uncertain due to the absence of conclusive functional and genetic evidence.

NM_001457.4(FLNB):c.6806A>C (p.Glu2269Ala)

Gene: FLNB (filamin B; plus strand). Cytogenetic location: 3p14.3.
Variant type: single nucleotide variant.
Coding change: c.6806A>C on transcript NM_001457.4 (MANE Select); coding-DNA position 6806, A replaced by C.
Protein change: p.Glu2269Ala; replaces glutamic acid 2269 with alanine.
Molecular consequence: missense variant.
Genome position (GRCh38, 1-based): chr3:58,155,993, A>C. VCF-style: chr3-58155993-A-C. GRCh37 (hg19) VCF-style: chr3-58141720-A-C.
Other names: c.6899A>C, p.Glu2300Ala (NM_001164317.2); c.6773A>C, p.Glu2258Ala (NM_001164318.2); c.6734A>C, p.Glu2245Ala (NM_001164319.2); short protein forms E2245A, E2269A, E2258A, E2300A.
Identifiers: ClinVar variation 4988546 (VCV004988546.1).